The following is an entry in ClinVar:

NM_001123385.2(BCOR):c.4327A>G (p.Thr1443Ala)

Gene: BCOR (BCL6 corepressor; minus strand). Cytogenetic location: Xp11.4.
Variant type: single nucleotide variant.
Coding change: c.4327A>G on transcript NM_001123385.2 (MANE Select); coding-DNA position 4327, A replaced by G.
Protein change: p.Thr1443Ala; replaces threonine 1443 with alanine.
Molecular consequence: missense variant.
Genome position (GRCh38, 1-based): chrX:40,062,240, T>C on the plus strand (A>G on the coding strand, the complement: BCOR is on the minus strand). VCF-style: chrX-40062240-T-C. GRCh37 (hg19) VCF-style: chrX-39921493-T-C.
Other names: c.4171A>G, p.Thr1391Ala (NM_001123384.2); c.4225A>G, p.Thr1409Ala (NM_017745.6, NM_001123383.2); short protein forms T1391A, T1409A, T1443A.
Identifiers: ClinVar variation 2173766 (VCV002173766.4), dbSNP rs759697698, ClinGen allele CA10386463.

ClinVar aggregate classification (germline): Uncertain significance (1 of 4 stars; one submission).

Conditions:
Oculofaciocardiodental syndrome (MCOPS2). Identifiers: Orphanet 2712, MedGen C1846265, MONDO:0010261, OMIM 300166.

Allele frequency attached by ClinVar (database versions not stated): gnomAD exomes below 0.00001; TOPMed below 0.00001; ExAC 0.00001; gnomAD 0.00001.
gnomAD v4.1: 2 of 1,208,693 alleles (0.00017%); highest among the groups gnomAD compares: Non-Finnish European, 0.00022%; no homozygotes.

Submission:

Labcorp Genetics (formerly Invitae), Labcorp
Classification: Uncertain significance for Oculofaciocardiodental syndrome. Last evaluated: 2022-01-05. Review status: criteria provided, single submitter. Criteria: Invitae Variant Classification Sherloc (09022015). Collection method: clinical testing. Allele origin: germline.
Comment: Algorithms developed to predict the effect of missense changes on protein structure and function output the following: SIFT: "Tolerated"; PolyPhen-2: "Benign"; Align-GVGD: "Class C0". The alanine amino acid residue is found in multiple mammalian species, which suggests that this missense change does not adversely affect protein function. This variant has not been reported in the literature in individuals affected with BCOR-related conditions. This variant is not present in population databases (gnomAD no frequency). This sequence change replaces threonine, which is neutral and polar, with alanine, which is neutral and non-polar, at codon 1409 of the BCOR protein (p.Thr1409Ala). In summary, the available evidence is currently insufficient to determine the role of this variant in disease. Therefore, it has been classified as a Variant of Uncertain Significance.